The following is an entry in ClinVar:

NM_001378615.1(CC2D2A):c.4609dup (p.Ser1537fs)

Genes: FBXL5 (F-box and leucine rich repeat protein 5; minus strand), CC2D2A (coiled-coil and C2 domain containing 2A; plus strand). Cytogenetic location: 4p15.32.
Variant type: Duplication.
Coding change: c.4609dup on transcript NM_001378615.1 (MANE Select); coding-DNA position 4609, one base duplicated (A; older notation c.4609dupA).
Protein change: p.Ser1537fs; shifts the reading frame from serine 1537.
Molecular consequence: frameshift variant.
Genome position (GRCh38, 1-based): chr4:15,599,641, A duplicated; the last of 6 consecutive A bases (chr4:15,599,636-15,599,641); duplicating any one gives the same sequence. VCF-style (leftmost placement, unchanged base first): chr4-15599635-G-GA. GRCh37 (hg19) VCF-style: chr4-15601258-G-GA.
Other names: c.4609dup, p.Ser1537fs (NM_001080522.2); c.4462dup, p.Ser1488fs (NM_001378617.1); short protein forms S1488fs, S1537fs.
Identifiers: ClinVar variation 3590416 (VCV003590416.2).

ClinVar aggregate classification (germline): Conflicting classifications of pathogenicity. Review status: criteria provided, conflicting classifications (1 of 4 stars). 2 submissions from 2 submitters: Likely pathogenic (1); Uncertain significance (1). Last evaluated 2026-08-31.

Conditions:
Joubert syndrome 9 (JBTS9). Identifiers: Orphanet 2318, MedGen C2676788, MONDO:0012849, OMIM 612285.
Retinitis pigmentosa 93. Identifiers: MedGen C5676970, MONDO:0030797, OMIM 619845.
COACH syndrome 2. Identifiers: MedGen C5436837, MONDO:0030859, OMIM 619111.
Meckel syndrome, type 6. Identifiers: Orphanet 564, MedGen C2676790, MONDO:0012848, OMIM 612284.
Joubert syndrome and related disorders. Identifiers: Orphanet 140874, MedGen C5679612, MONDO:0015369.

Submissions (2):

Myriad Genetics, Inc.
Classification: Uncertain significance for Joubert syndrome and related disorders. Last evaluated: 2026-08-31. Review status: criteria provided, single submitter. Criteria: Myriad Autosomal Dominant, Autosomal Recessive and X-Linked Classification Criteria (2023). Collection method: clinical testing. Allele origin: unknown.
Comment: NM_001080522.2(CC2D2A):c.4609dupA(S1537Kfs*9) is a frameshift variant classified as a variant of uncertain significance in the context of CC2D2A-related disorders. S1537Kfs*9 has not been observed in cases with relevant disease. Relevant functional assessments of this variant are not available in the literature. S1537Kfs*9 has been observed in referenced population frequency databases. In summary, there is insufficient evidence to classify NM_001080522.2(CC2D2A):c.4609dupA(S1537Kfs*9) as pathogenic or benign. Please note: this variant was assessed in the context of healthy population screening.

Fulgent Genetics
Classification: Likely pathogenic for Meckel syndrome, type 6; Joubert syndrome 9; COACH syndrome 2; Retinitis pigmentosa 93. Last evaluated: 2024-03-05. Review status: criteria provided, single submitter. Criteria: ACMG Guidelines, 2015. Collection method: clinical testing. Allele origin: germline.